The following is an entry in ClinVar:

NM_001048174.2(MUTYH):c.974T>G (p.Leu325Arg)

Gene: MUTYH (mutY DNA glycosylase; minus strand). Cytogenetic location: 1p34.1.
Variant type: single nucleotide variant.
Coding change: c.974T>G on transcript NM_001048174.2 (MANE Select); coding-DNA position 974, T replaced by G.
Protein change: p.Leu325Arg; replaces leucine 325 with arginine.
Molecular consequence: missense variant. On other transcripts: non-coding transcript variant (7).
Genome position (GRCh38, 1-based): chr1:45,331,789, A>C on the plus strand (T>G on the coding strand, the complement: MUTYH is on the minus strand). VCF-style: chr1-45331789-A-C. GRCh37 (hg19) VCF-style: chr1-45797461-A-C.
Other names: c.974T>G, p.Leu325Arg (NM_001048171.2, NM_001048173.2, NM_001293195.2 and 6 more transcripts); c.977T>G, p.Leu326Arg (NM_001048172.2, NM_001407071.1, NM_001407078.1 and 1 more transcripts); c.1058T>G, p.Leu353Arg (NM_001128425.2); c.1019T>G, p.Leu340Arg (NM_001293190.2); c.1007T>G, p.Leu336Arg (NM_001293191.2, NM_001407069.1, NM_001407077.1); c.698T>G, p.Leu233Arg (NM_001293192.2, NM_001293196.2, NM_001407091.1); c.629T>G, p.Leu210Arg (NM_001350650.2, NM_001350651.2, NM_001407082.1); c.890T>G, p.Leu297Arg (NM_001407075.1); and 5 more; short protein forms L325R, L326R, L336R, L210R, L233R, L311R, L332R, L340R.
Identifiers: ClinVar variation 4112974 (VCV004112974.1).

ClinVar aggregate classification (germline): Uncertain significance (1 of 4 stars; one submission).

Conditions:
Hereditary cancer-predisposing syndrome. Also called: Tumor predisposition; Neoplastic Syndromes, Hereditary; Hereditary neoplastic syndrome; Hereditary Cancer Syndrome. Identifiers: Orphanet 140162, MedGen C0027672, MeSH D009386, MONDO:0015356.

Submission:

Ambry Genetics
Classification: Uncertain significance for Hereditary cancer-predisposing syndrome. Last evaluated: 2025-08-27. Review status: criteria provided, single submitter. Criteria: Ambry Variant Classification Scheme 2023. Collection method: clinical testing. Allele origin: germline.
Comment: The p.L353R variant (also known as c.1058T>G), located in coding exon 12 of the MUTYH gene, results from a T to G substitution at nucleotide position 1058. The leucine at codon 353 is replaced by arginine, an amino acid with dissimilar properties. This amino acid position is conserved. In addition, the in silico prediction for this alteration is inconclusive. Based on the available evidence, the clinical significance of this variant remains unclear.